The following is an entry in ClinVar:

NM_000466.3(PEX1):c.1271T>C (p.Ile424Thr)

Gene: PEX1 (peroxisomal biogenesis factor 1; minus strand). Cytogenetic location: 7q21.2.
Variant type: single nucleotide variant.
Coding change: c.1271T>C on transcript NM_000466.3 (MANE Select); coding-DNA position 1271, T replaced by C.
Protein change: p.Ile424Thr; replaces isoleucine 424 with threonine.
Molecular consequence: missense variant.
Genome position (GRCh38, 1-based): chr7:92,513,936, A>G on the plus strand (T>C on the coding strand, the complement: PEX1 is on the minus strand). VCF-style: chr7-92513936-A-G. GRCh37 (hg19) VCF-style: chr7-92143250-A-G.
Other names: c.1271T>C, p.Ile424Thr (NM_001282677.2); c.647T>C, p.Ile216Thr (NM_001282678.2); c.1271T>C (NM_000466.2); short protein forms I424T, I216T.
Identifiers: ClinVar variation 499334 (VCV000499334.10), dbSNP rs201807430, ClinGen allele CA4341448.

ClinVar aggregate classification (germline): Uncertain significance. Review status: criteria provided, multiple submitters, no conflicts (2 of 4 stars). 5 submissions from 5 submitters: Uncertain significance (5). Last evaluated 2026-03-24.

Conditions:
PEX1-related disorder. Also called: PEX1-related condition.
Zellweger spectrum disorders (ZS). Also called: Zellweger syndrome; Zellweger Spectrum Disorder (ZSD); Zellweger Spectrum Disorder; Zellweger Spectrum. Identifiers: Orphanet 912, MedGen C0043459, MONDO:0019609.
Inborn genetic diseases. Identifiers: MedGen C0950123, MeSH D030342.

Allele frequency attached by ClinVar (database versions not stated): ExAC 0.00002; gnomAD 0.00003 and 0.00004; gnomAD exomes 0.00003 and 0.00009; TOPMed 0.00004; ESP Exome Variant Server 0.00015.
gnomAD v4.1: 133 of 1,585,384 alleles (0.0084%); highest among the groups gnomAD compares: Non-Finnish European, 0.011%; no homozygotes.

Submissions (5):

PreventionGenetics, part of Exact Sciences
Classification: Uncertain significance for PEX1-related condition. Last evaluated: 2026-03-24. Review status: criteria provided, single submitter. Criteria: ACMG Guidelines, 2015. Collection method: clinical testing. Allele origin: germline.
Comment: The PEX1 c.1271T>C variant is predicted to result in the amino acid substitution p.Ile424Thr. To our knowledge, this variant has not been reported in the literature. This variant is present in 0.012% of alleles in individuals of African descent in gnomAD. At this time, the clinical significance of this variant is uncertain due to the absence of conclusive functional and genetic evidence.

Greenwood Genetic Center Diagnostic Laboratories, Greenwood Genetic Center
Classification: Uncertain significance. Last evaluated: 2025-10-07. Review status: criteria provided, single submitter. Criteria: ACMG Guidelines, 2015. Collection method: clinical testing. Allele origin: germline. Affected: yes.
Comment: PM2, PP3

Ambry Genetics
Classification: Uncertain significance for Inborn genetic diseases. Last evaluated: 2024-07-30. Review status: criteria provided, single submitter. Criteria: Ambry Variant Classification Scheme 2023. Collection method: clinical testing. Allele origin: germline.

Labcorp Genetics (formerly Invitae), Labcorp
Classification: Uncertain significance for Zellweger spectrum disorders. Last evaluated: 2022-08-07. Review status: criteria provided, single submitter. Criteria: Invitae Variant Classification Sherloc (09022015). Collection method: clinical testing. Allele origin: germline.
Comment: This sequence change replaces isoleucine, which is neutral and non-polar, with threonine, which is neutral and polar, at codon 424 of the PEX1 protein (p.Ile424Thr). This variant is present in population databases (rs201807430, gnomAD 0.02%). This variant has not been reported in the literature in individuals affected with PEX1-related conditions. ClinVar contains an entry for this variant (Variation ID: 499334). Algorithms developed to predict the effect of missense changes on protein structure and function are either unavailable or do not agree on the potential impact of this missense change (SIFT: "Deleterious"; PolyPhen-2: "Possibly Damaging"; Align-GVGD: "Class C0"). In summary, the available evidence is currently insufficient to determine the role of this variant in disease. Therefore, it has been classified as a Variant of Uncertain Significance.

Eurofins Ntd Llc (ga)
Classification: Uncertain significance. Last evaluated: 2018-02-08. Review status: criteria provided, single submitter. Criteria: EGL Classification Definitions 2015. Collection method: clinical testing. Allele origin: germline. Observed: 2 variant alleles, 2 heterozygotes.